The following is an entry in ClinVar:

NM_005765.3(ATP6AP2):c.674G>A (p.Arg225His)

Gene: ATP6AP2 (ATPase H+ transporting accessory protein 2; plus strand). Cytogenetic location: Xp11.4.
Variant type: single nucleotide variant.
Coding change: c.674G>A on transcript NM_005765.3 (MANE Select); coding-DNA position 674, G replaced by A.
Protein change: p.Arg225His; replaces arginine 225 with histidine.
Molecular consequence: missense variant.
Genome position (GRCh38, 1-based): chrX:40,599,677, G>A. VCF-style: chrX-40599677-G-A. GRCh37 (hg19) VCF-style: chrX-40458929-G-A.
Other names: short protein forms R225H.
Identifiers: ClinVar variation 3679508 (VCV003679508.2).

ClinVar aggregate classification (germline): Uncertain significance (1 of 4 stars; one submission).

Conditions:
Intellectual developmental disorder, X-linked, syndromic, Hedera type. Also called: Syndromic X-linked intellectual disability Hedera type. Identifiers: Orphanet 93952, MedGen C1845543, MONDO:0010319, OMIM 300423.

Submission:

Labcorp Genetics (formerly Invitae), Labcorp
Classification: Uncertain significance for Intellectual developmental disorder, X-linked, syndromic, Hedera type. Last evaluated: 2024-04-12. Review status: criteria provided, single submitter. Criteria: Invitae Variant Classification Sherloc (09022015). Collection method: clinical testing. Allele origin: germline.
Comment: This sequence change replaces arginine, which is basic and polar, with histidine, which is basic and polar, at codon 225 of the ATP6AP2 protein (p.Arg225His). This variant is not present in population databases (gnomAD no frequency). This variant has not been reported in the literature in individuals affected with ATP6AP2-related conditions. Advanced modeling of protein sequence and biophysical properties (such as structural, functional, and spatial information, amino acid conservation, physicochemical variation, residue mobility, and thermodynamic stability) performed at Invitae indicates that this missense variant is not expected to disrupt ATP6AP2 protein function with a negative predictive value of 80%. In summary, the available evidence is currently insufficient to determine the role of this variant in disease. Therefore, it has been classified as a Variant of Uncertain Significance.